The following is an entry in ClinVar:

NM_004247.4(EFTUD2):c.2335C>T (p.Leu779Phe)

Gene: EFTUD2 (elongation factor Tu GTP binding domain containing 2; minus strand). Cytogenetic location: 17q21.31.
Variant type: single nucleotide variant.
Coding change: c.2335C>T on transcript NM_004247.4 (MANE Select); coding-DNA position 2335, C replaced by T.
Protein change: p.Leu779Phe; replaces leucine 779 with phenylalanine.
Molecular consequence: missense variant.
Genome position (GRCh38, 1-based): chr17:44,854,281, G>A on the plus strand (C>T on the coding strand, the complement: EFTUD2 is on the minus strand). VCF-style: chr17-44854281-G-A. GRCh37 (hg19) VCF-style: chr17-42931649-G-A.
Other names: c.2230C>T, p.Leu744Phe (NM_001142605.2); c.2335C>T, p.Leu779Phe (NM_001258353.2); c.2305C>T, p.Leu769Phe (NM_001258354.2); short protein forms L744F, L769F, L779F.
Identifiers: ClinVar variation 690304 (VCV000690304.2), dbSNP rs1597789186, ClinGen allele CA399842070.
Genomic context (GRCh38, chr17:44,854,281, plus strand): 5'-CTGCAAGGACCCTCGAGGACTGGGGTGGGGGAGTGCTGGTGGACTTACATTCATCACAGA[G>A]GGGGCCCTCCCTGGTTCCCCACTGGAAACCTTGAACGATGCTGTCCTTCACTGAACCAAG-3'
Protein context (NP_004238.3, residues 769-789): GFQWGTREGP[Leu779Phe]CDELIRNVKF

ClinVar aggregate classification (germline): Likely pathogenic (1 of 4 stars; one submission).

Conditions:
Mandibulofacial dysostosis-microcephaly syndrome (MFDGA). Also called: Growth and mental retardation, mandibulofacial dysostosis, microcephaly, and cleft palate; Mandibulofacial dysostosis, Guion-Almeida type. Identifiers: Orphanet 79113, MedGen C1864652, MONDO:0012516, OMIM 610536.

Submission:

HudsonAlpha Institute for Biotechnology
Classification: Likely pathogenic for Mandibulofacial dysostosis-microcephaly syndrome. Last evaluated: 2019-08-13. Review status: criteria provided, single submitter. Criteria: ACMG Guidelines, 2015. Collection method: research. Allele origin: de novo. Affected: yes. Observed: 1 variant allele. Study: CSER-SouthSeq.
Comment: ACMG codes: PS2, PM2, PP3